The following is an entry in ClinVar:

NM_002709.3(PPP1CB):c.56G>A (p.Arg19Gln)

Gene: PPP1CB (protein phosphatase 1 catalytic subunit beta; plus strand). Cytogenetic location: 2p23.2.
Variant type: single nucleotide variant.
Coding change: c.56G>A on transcript NM_002709.3 (MANE Select); coding-DNA position 56, G replaced by A.
Protein change: p.Arg19Gln; replaces arginine 19 with glutamine.
Molecular consequence: missense variant.
Genome position (GRCh38, 1-based): chr2:28,776,854, G>A. VCF-style: chr2-28776854-G-A. GRCh37 (hg19) VCF-style: chr2-28999720-G-A.
Other names: c.56G>A, p.Arg19Gln (NM_206876.2); short protein forms R19Q.
Identifiers: ClinVar variation 4801384 (VCV004801384.1).

ClinVar aggregate classification (germline): Uncertain significance (1 of 4 stars; one submission).

gnomAD v4.1: 1 of 1,608,930 alleles (0.000062%); highest among the groups gnomAD compares: Non-Finnish European, 0.000085%; no homozygotes.

Submission:

Labcorp Genetics (formerly Invitae), Labcorp
Classification: Uncertain significance. Last evaluated: 2025-03-30. Review status: criteria provided, single submitter. Criteria: Invitae Variant Classification Sherloc (09022015). Collection method: clinical testing. Allele origin: germline.
Comment: This sequence change replaces arginine, which is basic and polar, with glutamine, which is neutral and polar, at codon 19 of the PPP1CB protein (p.Arg19Gln). This variant is present in population databases (no rsID available, gnomAD 0.007%). This variant has not been reported in the literature in individuals affected with PPP1CB-related conditions. An algorithm developed to predict the effect of missense changes on protein structure and function (PolyPhen-2) suggests that this variant is likely to be tolerated. In summary, the available evidence is currently insufficient to determine the role of this variant in disease. Therefore, it has been classified as a Variant of Uncertain Significance.